The following is an entry in ClinVar:

NM_005732.4(RAD50):c.897del (p.Thr300fs)

Gene: RAD50 (RAD50 double strand break repair protein; plus strand). Cytogenetic location: 5q31.1.
Variant type: Deletion.
Coding change: c.897del on transcript NM_005732.4 (MANE Select); coding-DNA position 897, one base deleted (G; older notation c.897delG).
Protein change: p.Thr300fs; shifts the reading frame from threonine 300.
Molecular consequence: frameshift variant.
Genome position (GRCh38, 1-based): chr5:132,587,935, G deleted; the last of 3 consecutive G bases (chr5:132,587,933-132,587,935); deleting any one gives the same sequence. VCF-style (leftmost placement, unchanged base first): chr5-132587932-AG-A. GRCh37 (hg19) VCF-style: chr5-131923624-AG-A.
Other names: short protein forms T300fs.
Identifiers: ClinVar variation 822863 (VCV000822863.4), dbSNP rs1580992089, ClinGen allele CA915943545.

ClinVar aggregate classification (germline): Pathogenic (1 of 4 stars; one submission).

Conditions:
Hereditary cancer-predisposing syndrome. Also called: Tumor predisposition; Hereditary Cancer Syndrome; Neoplastic Syndromes, Hereditary; Hereditary neoplastic syndrome. Identifiers: Orphanet 140162, MedGen C0027672, MeSH D009386, MONDO:0015356.

Submission:

Ambry Genetics
Classification: Pathogenic for Hereditary cancer-predisposing syndrome. Last evaluated: 2019-10-24. Review status: criteria provided, single submitter. Criteria: Ambry Variant Classification Scheme 2023. Collection method: clinical testing. Allele origin: germline.
Comment: The c.897delG pathogenic mutation, located in coding exon 7 of the RAD50 gene, results from a deletion of one nucleotide at nucleotide position 897, causing a translational frameshift with a predicted alternate stop codon (p.T300Lfs*5). This alteration is expected to result in loss of function by premature protein truncation or nonsense-mediated mRNA decay. As such, this alteration is interpreted as a disease-causing mutation.